The following is an entry in ClinVar:

NM_002635.4(SLC25A3):c.122G>C (p.Arg41Pro)

Gene: SLC25A3 (solute carrier family 25 member 3; plus strand). Cytogenetic location: 12q23.1.
Variant type: single nucleotide variant.
Coding change: c.122G>C on transcript NM_002635.4 (MANE Select); coding-DNA position 122, G replaced by C.
Protein change: p.Arg41Pro; replaces arginine 41 with proline.
Molecular consequence: missense variant.
Genome position (GRCh38, 1-based): chr12:98,594,100, G>C. VCF-style: chr12-98594100-G-C. GRCh37 (hg19) VCF-style: chr12-98987878-G-C.
Other names: c.122G>C, p.Arg41Pro (NM_005888.4, NM_213611.3); short protein forms R41P.
Identifiers: ClinVar variation 2197227 (VCV002197227.2), dbSNP rs780745859, ClinGen allele CA242234367.

ClinVar aggregate classification (germline): Uncertain significance (1 of 4 stars; one submission).

gnomAD v4.1: 31 of 1,611,602 alleles (0.0019%); highest among the groups gnomAD compares: Non-Finnish European, 0.0026%; no homozygotes.

Submission:

Labcorp Genetics (formerly Invitae), Labcorp
Classification: Uncertain significance. Last evaluated: 2024-10-25. Review status: criteria provided, single submitter. Criteria: Invitae Variant Classification Sherloc (09022015). Collection method: clinical testing. Allele origin: germline.
Comment: This sequence change replaces arginine, which is basic and polar, with proline, which is neutral and non-polar, at codon 41 of the SLC25A3 protein (p.Arg41Pro). This variant is not present in population databases (gnomAD no frequency). This variant has not been reported in the literature in individuals affected with SLC25A3-related conditions. ClinVar contains an entry for this variant (Variation ID: 2197227). An algorithm developed to predict the effect of missense changes on protein structure and function (PolyPhen-2) suggests that this variant¬†is likely to be tolerated. In summary, the available evidence is currently insufficient to determine the role of this variant in disease. Therefore, it has been classified as a Variant of Uncertain Significance.